The following is an entry in ClinVar:

ClinVar aggregate classification (germline): Uncertain significance. Review status: criteria provided, multiple submitters, no conflicts (2 of 4 stars). 2 submissions from 2 submitters: Uncertain significance (2). Last evaluated 2022-04-25.

Conditions:
Inborn genetic diseases. Identifiers: MedGen C0950123, MeSH D030342.

Allele frequency attached by ClinVar (database versions not stated): gnomAD 0.00002; gnomAD exomes 0.00002 and 0.00004; TOPMed 0.00004.
gnomAD v4.1: 28 of 1,577,634 alleles (0.0018%); highest among the groups gnomAD compares: Admixed American, 0.0067%; no homozygotes.

Submissions (2):

Ambry Genetics
Classification: Uncertain significance for Inborn genetic diseases. Last evaluated: 2022-04-25. Review status: criteria provided, single submitter. Criteria: Ambry Variant Classification Scheme 2023. Collection method: clinical testing. Allele origin: germline.

Labcorp Genetics (formerly Invitae), Labcorp
Classification: Uncertain significance. Last evaluated: 2022-02-24. Review status: criteria provided, single submitter. Criteria: Invitae Variant Classification Sherloc (09022015). Collection method: clinical testing. Allele origin: germline.
Comment: This sequence change replaces arginine, which is basic and polar, with glycine, which is neutral and non-polar, at codon 314 of the CEP78 protein (p.Arg314Gly). This variant is present in population databases (no rsID available, gnomAD 0.08%). This variant has not been reported in the literature in individuals affected with CEP78-related conditions. Algorithms developed to predict the effect of missense changes on protein structure and function are either unavailable or do not agree on the potential impact of this missense change (SIFT: "Tolerated"; PolyPhen-2: "Probably Damaging"; Align-GVGD: "Class C0"). In summary, the available evidence is currently insufficient to determine the role of this variant in disease. Therefore, it has been classified as a Variant of Uncertain Significance.

NM_001330691.3(CEP78):c.940A>G (p.Arg314Gly)

Gene: CEP78 (centrosomal protein 78; plus strand). Cytogenetic location: 9q21.2.
Variant type: single nucleotide variant.
Coding change: c.940A>G on transcript NM_001330691.3 (MANE Select); coding-DNA position 940, A replaced by G.
Protein change: p.Arg314Gly; replaces arginine 314 with glycine.
Molecular consequence: missense variant.
Genome position (GRCh38, 1-based): chr9:78,248,338, A>G. VCF-style: chr9-78248338-A-G. GRCh37 (hg19) VCF-style: chr9-80863254-A-G.
Other names: c.940A>G, p.Arg314Gly (NM_001098802.3, NM_001330693.3, NM_001330694.2 and 4 more transcripts); c.940A>G (NM_001098802.1); short protein forms R314G.
Identifiers: ClinVar variation 1463381 (VCV001463381.4), dbSNP rs1423859298, ClinGen allele CA373856863.